The following is an entry in ClinVar:

ClinVar aggregate classification (germline): Pathogenic/Likely pathogenic. Review status: criteria provided, multiple submitters, no conflicts (2 of 4 stars). 4 submissions from 4 submitters: Pathogenic (3); Likely pathogenic (1). Last evaluated 2026-01-06.

Conditions:
KCNV2-related disorder. Also called: KCNV2-related condition.
Inborn genetic diseases. Identifiers: MedGen C0950123, MeSH D030342.
Cone dystrophy with supernormal rod response (CDSRR). Also called: CONE DYSTROPHY WITH SUPERNORMAL ROD RESPONSES. Identifiers: Orphanet 209932, MedGen C1835897, MONDO:0012475, OMIM 610356.

Allele frequency attached by ClinVar (database versions not stated): TOPMed 0.00006.
gnomAD v4.1: 11 of 1,612,868 alleles (0.00068%); highest among the groups gnomAD compares: African/African-American, 0.011%; no homozygotes.

Submissions (4):

Variantyx, Inc.
Classification: Pathogenic for Cone dystrophy with supernormal rod response. Last evaluated: 2026-01-06. Review status: criteria provided, single submitter. Criteria: Variantyx Assertion Criteria 2022. Collection method: clinical testing. Allele origin: germline. Inheritance: Autosomal recessive inheritance.
Comment: This is a nonsense variant in the KCNV2 gene (OMIM: 607604). Pathogenic variants in this gene have been associated with autosomal recessive retinal cone dystrophy 3B. This variant introduces a premature termination codon in exon 1 out of 2 and is expected to result in loss of function, which is a known disease mechanism for KCNV2 in this disorder (PMID: 16909397, 18235024) (PVS1). This variant has been identified in the homozygous or compound heterozygous state in previous internal cases (PM3) and has been reported in at least one affected individual who carried a second variant in this gene; however, the phase of these variants could not be determined (PMID: 38219857). This variant has a 0.0107% maximum allele frequency in non-founder control populations (PM2). Based on the current evidence, this variant is classified as pathogenic for autosomal recessive retinal cone dystrophy 3B.

Ambry Genetics
Classification: Pathogenic for Inborn genetic diseases. Last evaluated: 2025-12-22. Review status: criteria provided, single submitter. Criteria: Ambry Variant Classification Scheme 2023. Collection method: clinical testing. Allele origin: germline.
Comment: The c.866C>A (p.S289*) alteration, located in exon 1 (coding exon 1) of the KCNV2 gene, consists of a C to A substitution at nucleotide position 866. This changes the amino acid from a serine (S) to a stop codon at amino acid position 289. This alteration is expected to result in loss of function by premature protein truncation or nonsense-mediated mRNA decay. Based on data from gnomAD, the A allele has an overall frequency of 0.002% (5/277858) total alleles studied. The highest observed frequency was 0.021% (5/24326) of African alleles. This variant has been identified in the homozygous state and/or in conjunction with other KCNV2 variant(s) in individual(s), but clinical details were limited (Lin, 2024). Based on the available evidence, this alteration is classified as pathogenic.

Labcorp Genetics (formerly Invitae), Labcorp
Classification: Pathogenic. Last evaluated: 2025-07-29. Review status: criteria provided, single submitter. Criteria: Invitae Variant Classification Sherloc (09022015). Collection method: clinical testing. Allele origin: germline.
Comment: This sequence change creates a premature translational stop signal (p.Ser289*) in the KCNV2 gene. It is expected to result in an absent or disrupted protein product. Loss-of-function variants in KCNV2 are known to be pathogenic (PMID: 16909397, 18235024). This variant is present in population databases (rs569992163, gnomAD 0.02%). This variant has not been reported in the literature in individuals affected with KCNV2-related conditions. ClinVar contains an entry for this variant (Variation ID: 962719). For these reasons, this variant has been classified as Pathogenic.

Blueprint Genetics
Classification: Likely pathogenic for KCNV2-related disorders. Last evaluated: 2022-03-05. Review status: criteria provided, single submitter. Criteria: ACMG Guidelines, 2015. Collection method: clinical testing. Allele origin: germline. Affected: yes. Observed: 2 variant alleles.

Literature cited by the submitters: PubMed 16909397 (cited by Variantyx, Inc. and Labcorp Genetics (formerly Invitae), Labcorp); PubMed 18235024 (cited by Variantyx, Inc. and Labcorp Genetics (formerly Invitae), Labcorp); PubMed 38219857 (cited by Variantyx, Inc. and Ambry Genetics).

NM_133497.4(KCNV2):c.866C>A (p.Ser289Ter)

Gene: KCNV2 (potassium voltage-gated channel modifier subfamily V member 2; plus strand). Cytogenetic location: 9p24.2.
Variant type: single nucleotide variant.
Coding change: c.866C>A on transcript NM_133497.4 (MANE Select); coding-DNA position 866, C replaced by A.
Protein change: p.Ser289Ter; replaces serine 289 with a stop codon.
Molecular consequence: nonsense.
Genome position (GRCh38, 1-based): chr9:2,718,605, C>A. VCF-style: chr9-2718605-C-A. GRCh37 (hg19) VCF-style: chr9-2718605-C-A.
Other names: short protein forms S289*.
Identifiers: ClinVar variation 962719 (VCV000962719.10), dbSNP rs569992163, ClinGen allele CA4965654.